The following is an entry in ClinVar:

NM_001122955.4(BSCL2):c.809G>A (p.Arg270His)

Genes: HNRNPUL2-BSCL2 (HNRNPUL2-BSCL2 readthrough (NMD candidate); minus strand), BSCL2 (BSCL2 lipid droplet biogenesis associated, seipin; minus strand). Cytogenetic location: 11q12.3.
Variant type: single nucleotide variant.
Coding change: c.809G>A on transcript NM_001122955.4 (MANE Select); coding-DNA position 809, G replaced by A.
Protein change: p.Arg270His; replaces arginine 270 with histidine.
Molecular consequence: missense variant. On other transcripts: non-coding transcript variant (1).
Genome position (GRCh38, 1-based): chr11:62,692,430, C>T on the plus strand (G>A on the coding strand, the complement: BSCL2 is on the minus strand). VCF-style: chr11-62692430-C-T. GRCh37 (hg19) VCF-style: chr11-62459902-C-T.
Other names: c.617G>A, p.Arg206His (NM_001130702.2, NM_032667.6); c.809G>A, p.Arg270His (NM_001386027.1, NM_001386028.1); short protein forms R206H, R270H.
Identifiers: ClinVar variation 849980 (VCV000849980.44), dbSNP rs763884653, ClinGen allele CA6053446.

ClinVar aggregate classification (germline): Uncertain significance. Review status: criteria provided, multiple submitters, no conflicts (2 of 4 stars). 3 submissions from 3 submitters: Uncertain significance (3). Last evaluated 2022-08-19.

Conditions:
Inborn genetic diseases. Identifiers: MedGen C0950123, MeSH D030342.
Charcot-Marie-Tooth disease type 2. Also called: Charcot-Marie-Tooth type 2. Identifiers: Orphanet 64746, MedGen C0270914, MONDO:0018993.

Allele frequency attached by ClinVar (database versions not stated): gnomAD 0.00001 and 0.00002; TOPMed 0.00001; gnomAD exomes 0.00003; ExAC 0.00004.
gnomAD v4.1: 43 of 1,614,014 alleles (0.0027%); highest among the groups gnomAD compares: South Asian, 0.026%; 2 homozygotes.

Submissions (3):

Labcorp Genetics (formerly Invitae), Labcorp
Classification: Uncertain significance for Charcot-Marie-Tooth disease type 2. Last evaluated: 2022-08-19. Review status: criteria provided, single submitter. Criteria: Invitae Variant Classification Sherloc (09022015). Collection method: clinical testing. Allele origin: germline.
Comment: In summary, the available evidence is currently insufficient to determine the role of this variant in disease. Therefore, it has been classified as a Variant of Uncertain Significance. Algorithms developed to predict the effect of missense changes on protein structure and function are either unavailable or do not agree on the potential impact of this missense change (SIFT: "Deleterious"; PolyPhen-2: "Benign"; Align-GVGD: "Class C0"). ClinVar contains an entry for this variant (Variation ID: 849980). This variant has not been reported in the literature in individuals affected with BSCL2-related conditions. This variant is present in population databases (rs763884653, gnomAD 0.01%). This sequence change replaces arginine, which is basic and polar, with histidine, which is basic and polar, at codon 206 of the BSCL2 protein (p.Arg206His).

Ambry Genetics
Classification: Uncertain significance for Inborn genetic diseases. Last evaluated: 2021-12-21. Review status: criteria provided, single submitter. Criteria: Ambry Variant Classification Scheme 2023. Collection method: clinical testing. Allele origin: germline.

CeGaT Center for Human Genetics Tuebingen
Classification: Uncertain significance. Last evaluated: 2021-11-01. Review status: criteria provided, single submitter. Criteria: CeGaT Center For Human Genetics Tuebingen Variant Classification Criteria Version 2. Collection method: clinical testing. Allele origin: germline. Affected: yes. Observed: 1 variant allele.